The following is an entry in ClinVar:

ClinVar aggregate classification (germline): Uncertain significance (1 of 4 stars; one submission).

Submission:

Labcorp Genetics (formerly Invitae), Labcorp
Classification: Uncertain significance. Last evaluated: 2025-09-24. Review status: criteria provided, single submitter. Criteria: Invitae Variant Classification Sherloc (09022015). Collection method: clinical testing. Allele origin: germline.
Comment: This sequence change replaces proline, which is neutral and non-polar, with leucine, which is neutral and non-polar, at codon 387 of the COL4A1 protein (p.Pro387Leu). This variant is not present in population databases (gnomAD no frequency). This variant has not been reported in the literature in individuals affected with COL4A1-related conditions. Invitae Evidence Modeling of protein sequence and biophysical properties (such as structural, functional, and spatial information, amino acid conservation, physicochemical variation, residue mobility, and thermodynamic stability) indicates that this missense variant is not expected to disrupt COL4A1 protein function with a negative predictive value of 80%. In summary, the available evidence is currently insufficient to determine the role of this variant in disease. Therefore, it has been classified as a Variant of Uncertain Significance.

NM_001845.6(COL4A1):c.1160C>T (p.Pro387Leu)

Gene: COL4A1 (collagen type IV alpha 1 chain; minus strand). Cytogenetic location: 13q34.
Variant type: single nucleotide variant.
Coding change: c.1160C>T on transcript NM_001845.6 (MANE Select); coding-DNA position 1160, C replaced by T.
Protein change: p.Pro387Leu; replaces proline 387 with leucine.
Molecular consequence: missense variant.
Genome position (GRCh38, 1-based): chr13:110,198,592, G>A on the plus strand (C>T on the coding strand, the complement: COL4A1 is on the minus strand). VCF-style: chr13-110198592-G-A. GRCh37 (hg19) VCF-style: chr13-110850939-G-A.
Other names: c.1160C>T, p.Pro387Leu (NM_001303110.2); short protein forms P387L.
Identifiers: ClinVar variation 4766234 (VCV004766234.1).